The following continues an entry in ClinVar:

NM_007294.4(BRCA1):c.212+1G>A

Gene: BRCA1. ClinVar aggregate classification (germline): Pathogenic. Pathogenic (1).

Submissions 10 to 19 of 19:

Women's Health and Genetics/Laboratory Corporation of America, LabCorp
Classification: Pathogenic for Hereditary breast and ovarian cancer syndrome. Last evaluated: 2019-10-28. Review status: criteria provided, single submitter. Criteria: LabCorp Variant Classification Summary - May 2015. Collection method: clinical testing. Allele origin: germline. Not counted in ClinVar's aggregate classification.
Comment: Variant summary: BRCA1 c.212+1G>A is located in a canonical splice-site and is predicted to affect mRNA splicing resulting in a significantly altered protein due to either exon skipping, shortening, or inclusion of intronic material. Several computational tools predict a significant impact on normal splicing: Five predict the variant abolishes a 5 splicing donor site. A functional study, Houdayer_2012, confirmed these predictions. The variant allele was found at a frequency of 4e-06 in 249638 control chromosomes (gnomAD). c.212+1G>A has been reported in the literature in multiple individuals affected with Hereditary Breast and Ovarian Cancer (Diez_2003, Lang_2017, Kim_2012, Rebbeck_2018). These data indicate that the variant is very likely to be associated with disease. Five ClinVar submissions (evaluation after 2014) cites the variant as pathogenic. Based on the evidence outlined above, the variant was classified as pathogenic.

Consortium of Investigators of Modifiers of BRCA1/2 (CIMBA), c/o University of Cambridge
Classification: Pathogenic for Breast-ovarian cancer, familial, susceptibility to, 1. Last evaluated: 2015-10-02. Review status: criteria provided, single submitter. Criteria: CIMBA Mutation Classification guidelines May 2016. Collection method: clinical testing. Allele origin: germline. Not counted in ClinVar's aggregate classification.

King Laboratory, University of Washington
Classification: Pathogenic for Hereditary breast and ovarian cancer syndrome; Breast-ovarian cancer, familial 1. Last evaluated: 2019-09-01. Review status: no assertion criteria provided. Collection method: research. Allele origin: germline. Affected: yes. Not counted in ClinVar's aggregate classification.
Comment: Transcript analysis by cBROCA

Counsyl
Classification: Pathogenic for Breast-ovarian cancer, familial, susceptibility to, 1. Last evaluated: 2015-11-17. Review status: no assertion criteria provided. Collection method: clinical testing. Allele origin: unknown. Not counted in ClinVar's aggregate classification.

Research Molecular Genetics Laboratory, Women's College Hospital, University of Toronto
Classification: Pathogenic for Hereditary breast ovarian cancer syndrome. Last evaluated: 2014-01-31. Review status: no assertion criteria provided. Collection method: research. Allele origin: germline. Affected: yes. Study: The Canadian Open Genetics Repository (COGR). Not counted in ClinVar's aggregate classification.

Sharing Clinical Reports Project (SCRP)
Classification: Pathogenic for Breast-ovarian cancer, familial 1. Last evaluated: 2012-10-18. Review status: no assertion criteria provided. Collection method: clinical testing. Allele origin: germline. Not counted in ClinVar's aggregate classification.

Breast Cancer Information Core (BIC) (BRCA1)
Classification: Pathogenic for Breast-ovarian cancer, familial 1. Last evaluated: 1997-09-04. Review status: no assertion criteria provided. Collection method: clinical testing. Allele origin: germline. Affected: yes. Observed: 1 variant allele. Not counted in ClinVar's aggregate classification.

Brotman Baty Institute, University of Washington
No classification provided (evidence only). Condition: Breast-ovarian cancer, familial 1. Review status: no classification provided. Collection method: in vitro. Allele origin: not applicable. Functional consequence: functionally_abnormal. Not counted in ClinVar's aggregate classification.
ClinVar note: "not provided" was previously submitted as the classification for the variant. However, the classification appeared to be based only on an observation of functional data so it was converted to no classification on 2025-07-30.

Foulkes Cancer Genetics LDI, Lady Davis Institute for Medical Research
Classification: Pathogenic for Breast and/or ovarian cancer. Review status: no assertion criteria provided. Collection method: clinical testing. Allele origin: germline. Study: The Canadian Open Genetics Repository (COGR). Not counted in ClinVar's aggregate classification.

Breast Cancer Information Core (BIC) (BRCA1)
Classification: Pathogenic for Breast-ovarian cancer, familial 1. Last evaluated: 2002-05-29. Review status: flagged submission. Collection method: clinical testing. Allele origin: germline. Affected: yes. Observed: 7 variant alleles. Not counted in ClinVar's aggregate classification.
ClinVar note: Reason: This record appears to be redundant with a more recent record from the same submitter.
ClinVar note: Notes: SCV000144660 appears to be redundant with SCV000144661.

Literature cited by the submitters: PubMed 31131967 (cited by Evidence-based Network for the Interpretation of Germline Mutant Alleles (ENIGMA)); PubMed 8533757 (cited by 4 submitters); PubMed 20215541 (cited by 5 submitters); PubMed 23479189 (cited by 4 submitters); PubMed 28477318 (cited by 3 submitters); PubMed 22505045 (cited by 5 submitters); PubMed 9663595 (cited by Department of Pathology and Laboratory Medicine, Sinai Health System and Quest Diagnostics Nichols Institute San Juan Capistrano); PubMed 21735045 (cited by 3 submitters); PubMed 22798144 (cited by 3 submitters); PubMed 28294317 (cited by 3 submitters); PubMed 29446198 (cited by Department of Pathology and Laboratory Medicine, Sinai Health System and Ambry Genetics); PubMed 30209399 (cited by 3 submitters); PubMed 31454914 (cited by Department of Pathology and Laboratory Medicine, Sinai Health System and Quest Diagnostics Nichols Institute San Juan Capistrano); PubMed 12955716 (cited by Quest Diagnostics Nichols Institute San Juan Capistrano and Women's Health and Genetics/Laboratory Corporation of America, LabCorp); PubMed 26295337 (cited by Quest Diagnostics Nichols Institute San Juan Capistrano); DOI 10.3389/fgene.2022.834265 (cited by National Health Laboratory Service, Universitas Academic Hospital and University of the Free State); PubMed 27836010 (cited by Women's Health and Genetics/Laboratory Corporation of America, LabCorp); PubMed 31843900 (cited by King Laboratory, University of Washington); PubMed 16267036 (cited by Counsyl); PubMed 23348723 (cited by Counsyl); PubMed 25525159 (cited by Counsyl); Wagner et al. Int. J. Cancer, in press (cited by Breast Cancer Information Core (BIC) (BRCA1)).